The following is an entry in ClinVar:

ClinVar aggregate classification (germline): Uncertain significance (1 of 4 stars; one submission).

Submission:

Labcorp Genetics (formerly Invitae), Labcorp
Classification: Uncertain significance. Last evaluated: 2025-07-30. Review status: criteria provided, single submitter. Criteria: Invitae Variant Classification Sherloc (09022015). Collection method: clinical testing. Allele origin: germline.
Comment: This sequence change replaces glutamic acid, which is acidic and polar, with lysine, which is basic and polar, at codon 706 of the SLC7A14 protein (p.Glu706Lys). This variant is not present in population databases (gnomAD no frequency). This variant has not been reported in the literature in individuals affected with SLC7A14-related conditions. An algorithm developed to predict the effect of missense changes on protein structure and function (PolyPhen-2) suggests that this variant is likely to be tolerated. In summary, the available evidence is currently insufficient to determine the role of this variant in disease. Therefore, it has been classified as a Variant of Uncertain Significance.

NM_020949.3(SLC7A14):c.2116G>A (p.Glu706Lys)

Gene: SLC7A14 (solute carrier family 7 member 14; minus strand). Cytogenetic location: 3q26.2.
Variant type: single nucleotide variant.
Coding change: c.2116G>A on transcript NM_020949.3 (MANE Select); coding-DNA position 2116, G replaced by A.
Protein change: p.Glu706Lys; replaces glutamic acid 706 with lysine.
Molecular consequence: missense variant.
Genome position (GRCh38, 1-based): chr3:170,467,255, C>T on the plus strand (G>A on the coding strand, the complement: SLC7A14 is on the minus strand). VCF-style: chr3-170467255-C-T. GRCh37 (hg19) VCF-style: chr3-170185043-C-T.
Other names: short protein forms E706K.
Identifiers: ClinVar variation 4780352 (VCV004780352.1).